The following is an entry in ClinVar:

NM_002474.3(MYH11):c.2956G>A (p.Glu986Lys)

Gene: MYH11 (myosin heavy chain 11; minus strand). Cytogenetic location: 16p13.11.
Variant type: single nucleotide variant.
Coding change: c.2956G>A on transcript NM_002474.3 (MANE Select); coding-DNA position 2956, G replaced by A.
Protein change: p.Glu986Lys; replaces glutamic acid 986 with lysine.
Molecular consequence: missense variant.
Genome position (GRCh38, 1-based): chr16:15,740,092, C>T on the plus strand (G>A on the coding strand, the complement: MYH11 is on the minus strand). VCF-style: chr16-15740092-C-T. GRCh37 (hg19) VCF-style: chr16-15833949-C-T.
Other names: c.2977G>A, p.Glu993Lys (NM_001040113.2, NM_001040114.2); c.2956G>A, p.Glu986Lys (NM_022844.3); short protein forms E993K, E986K.
Identifiers: ClinVar variation 3706082 (VCV003706082.2).

ClinVar aggregate classification (germline): Uncertain significance (1 of 4 stars; one submission).

Conditions:
Aortic aneurysm, familial thoracic 4 (AAT4). Also called: AORTIC ANEURYSM/AORTIC DISSECTION AND PATENT DUCTUS ARTERIOSUS. Identifiers: MedGen C1851504, MONDO:0007568, OMIM 132900.

gnomAD v4.1: 1 of 1,614,130 alleles (0.000062%); highest among the groups gnomAD compares: Non-Finnish European, 0.000085%; no homozygotes.

Submission:

Labcorp Genetics (formerly Invitae), Labcorp
Classification: Uncertain significance for Aortic aneurysm, familial thoracic 4. Last evaluated: 2024-09-09. Review status: criteria provided, single submitter. Criteria: Invitae Variant Classification Sherloc (09022015). Collection method: clinical testing. Allele origin: germline.
Comment: This sequence change replaces glutamic acid, which is acidic and polar, with lysine, which is basic and polar, at codon 993 of the MYH11 protein (p.Glu993Lys). This variant is not present in population databases (gnomAD no frequency). This variant has not been reported in the literature in individuals affected with MYH11-related conditions. Invitae Evidence Modeling of protein sequence and biophysical properties (such as structural, functional, and spatial information, amino acid conservation, physicochemical variation, residue mobility, and thermodynamic stability) indicates that this missense variant is not expected to disrupt MYH11 protein function with a negative predictive value of 95%. In summary, the available evidence is currently insufficient to determine the role of this variant in disease. Therefore, it has been classified as a Variant of Uncertain Significance.